The following is an entry in ClinVar:

ClinVar aggregate classification (germline): Uncertain significance. Review status: criteria provided, multiple submitters, no conflicts (2 of 4 stars). 3 submissions from 3 submitters: Uncertain significance (3). Last evaluated 2025-02-17.

Conditions:
Primary ciliary dyskinesia 28. Also called: CILIARY DYSKINESIA, PRIMARY, 28, WITH OR WITHOUT SITUS INVERSUS. Identifiers: Orphanet 244, MedGen C3809706, MONDO:0014216, OMIM 615505.
Primary ciliary dyskinesia. Also called: Ciliary dyskinesia. Identifiers: Orphanet 244, MedGen C0008780, MONDO:0016575, HP:0012265.

Allele frequency attached by ClinVar (database versions not stated): gnomAD 0.00003 and 0.00004; ExAC 0.00005; gnomAD exomes 0.00005; TOPMed 0.00005.
gnomAD v4.1: 76 of 1,613,780 alleles (0.0047%); highest among the groups gnomAD compares: Non-Finnish European, 0.0058%; no homozygotes.

Submissions (3):

Labcorp Genetics (formerly Invitae), Labcorp
Classification: Uncertain significance for Primary ciliary dyskinesia 28. Last evaluated: 2025-02-17. Review status: criteria provided, single submitter. Criteria: Invitae Variant Classification Sherloc (09022015). Collection method: clinical testing. Allele origin: germline.
Comment: This sequence change replaces arginine, which is basic and polar, with tryptophan, which is neutral and slightly polar, at codon 527 of the SPAG1 protein (p.Arg527Trp). This variant is present in population databases (rs777137396, gnomAD 0.008%). This variant has not been reported in the literature in individuals affected with SPAG1-related conditions. ClinVar contains an entry for this variant (Variation ID: 1395365). Invitae Evidence Modeling of protein sequence and biophysical properties (such as structural, functional, and spatial information, amino acid conservation, physicochemical variation, residue mobility, and thermodynamic stability) indicates that this missense variant is expected to disrupt SPAG1 protein function with a positive predictive value of 80%. In summary, the available evidence is currently insufficient to determine the role of this variant in disease. Therefore, it has been classified as a Variant of Uncertain Significance.

Ambry Genetics
Classification: Uncertain significance for Primary ciliary dyskinesia. Last evaluated: 2025-02-12. Review status: criteria provided, single submitter. Criteria: Ambry Variant Classification Scheme 2023. Collection method: clinical testing. Allele origin: germline.

Blueprint Genetics
Classification: Uncertain significance. Last evaluated: 2023-05-08. Review status: criteria provided, single submitter. Criteria: ACMG Guidelines, 2015. Collection method: clinical testing. Allele origin: germline.

NM_003114.5(SPAG1):c.1579C>T (p.Arg527Trp)

Gene: SPAG1 (sperm associated antigen 1; plus strand). Cytogenetic location: 8q22.2.
Variant type: single nucleotide variant.
Coding change: c.1579C>T on transcript NM_003114.5 (MANE Select); coding-DNA position 1579, C replaced by T.
Protein change: p.Arg527Trp; replaces arginine 527 with tryptophan.
Molecular consequence: missense variant.
Genome position (GRCh38, 1-based): chr8:100,220,322, C>T. VCF-style: chr8-100220322-C-T. GRCh37 (hg19) VCF-style: chr8-101232550-C-T.
Other names: c.1579C>T, p.Arg527Trp (NM_172218.3, NM_001374321.1); c.1579C>T (NM_172218.2); short protein forms R527W.
Identifiers: ClinVar variation 1395365 (VCV001395365.8), dbSNP rs777137396, ClinGen allele CA4827538.